The following is an entry in ClinVar:

NM_001267550.2(TTN):c.60796A>G (p.Lys20266Glu)

Genes: TTN (titin; minus strand), TTN-AS1 (TTN antisense RNA 1; plus strand). Cytogenetic location: 2q31.2.
Variant type: single nucleotide variant.
Coding change: c.60796A>G on transcript NM_001267550.2 (MANE Select); coding-DNA position 60796, A replaced by G.
Protein change: p.Lys20266Glu; replaces lysine 20266 with glutamic acid.
Molecular consequence: missense variant.
Genome position (GRCh38, 1-based): chr2:178,590,929, T>C on the plus strand (A>G on the coding strand, the complement: TTN is on the minus strand). VCF-style: chr2-178590929-T-C. GRCh37 (hg19) VCF-style: chr2-179455656-T-C.
Other names: c.55873A>G, p.Lys18625Glu (NM_001256850.1); c.33601A>G, p.Lys11201Glu (NM_003319.4); c.53092A>G, p.Lys17698Glu (NM_133378.4); c.33976A>G, p.Lys11326Glu (NM_133432.3); c.34177A>G, p.Lys11393Glu (NM_133437.4); short protein forms K11393E, K11201E, K17698E, K20266E, K11326E, K18625E.
Identifiers: ClinVar variation 1730606 (VCV001730606.4), dbSNP rs763212024, ClinGen allele CA1992446.

ClinVar aggregate classification (germline): Conflicting classifications of pathogenicity. Review status: criteria provided, conflicting classifications (1 of 4 stars). 3 submissions from 3 submitters: Uncertain significance (2); Likely benign (1). Last evaluated 2026-06-09.

Conditions:
TTN-related disorder. Also called: TTN-related disorders; TTN-related condition; TTN-related disease.
Cardiovascular phenotype. Identifiers: MedGen CN230736.

Allele frequency attached by ClinVar (database versions not stated): gnomAD exomes 0.00001; ExAC 0.00002; gnomAD 0.00003; TOPMed 0.00006.
gnomAD v4.1: 11 of 1,613,014 alleles (0.00068%); highest among the groups gnomAD compares: African/African-American, 0.011%; no homozygotes.

Submissions (3):

PreventionGenetics, part of Exact Sciences
Classification: Uncertain significance for TTN-related condition. Last evaluated: 2026-06-09. Review status: criteria provided, single submitter. Criteria: ACMG Guidelines, 2015. Collection method: clinical testing. Allele origin: germline.
Comment: The TTN c.60796A>G variant is predicted to result in the amino acid substitution p.Lys20266Glu. To our knowledge, this variant has not been reported in the literature. This variant is reported in 0.012% of alleles in individuals of African descent in gnomAD. At this time, the clinical significance of this variant is uncertain due to the absence of conclusive functional and genetic evidence.

GeneDx
Classification: Uncertain significance. Last evaluated: 2023-06-22. Review status: criteria provided, single submitter. Criteria: GeneDx Variant Classification Process June 2021. Collection method: clinical testing. Allele origin: germline. Affected: yes.
Comment: Not observed at significant frequency in large population cohorts (gnomAD); Located in the A-band region of TTN in which the majority of loss of function variants have been associated with autosomal dominant titinopathies (Herman et al., 2012); Missense variant in a gene in which most reported pathogenic variants are truncating/loss of function; Has not been previously published as pathogenic or benign to our knowledge

Ambry Genetics
Classification: Likely benign for Cardiovascular phenotype. Last evaluated: 2020-06-15. Review status: criteria provided, single submitter. Criteria: Ambry Variant Classification Scheme 2023. Collection method: clinical testing. Allele origin: germline.